The following is an entry in ClinVar:

ClinVar aggregate classification (germline): Pathogenic. Review status: criteria provided, multiple submitters, no conflicts (2 of 4 stars). 4 submissions from 4 submitters: Pathogenic (4). Last evaluated 2025-12-01.

Conditions:
PLA2G6-related disorder. Also called: PLA2G6-related condition.
Neurodegeneration with brain iron accumulation (NBIA). Identifiers: Orphanet 385, MedGen C2931845, MONDO:0018307.
Infantile neuroaxonal dystrophy (NBIA2A). Also called: NEURODEGENERATION WITH BRAIN IRON ACCUMULATION 2A; Infantile neuroaxonal dystrophy 1; SEITELBERGER DISEASE. Identifiers: Orphanet 35069, MedGen C0270724, MONDO:0024457, OMIM 256600.

Allele frequency attached by ClinVar (database versions not stated): gnomAD exomes 0.00001; gnomAD 0.00001; TOPMed 0.00001.
gnomAD v4.1: 9 of 1,611,766 alleles (0.00056%); highest among the groups gnomAD compares: Admixed American, 0.0033%; no homozygotes.

Submissions (4):

3billion
Classification: Pathogenic for PLA2G6-related disorder. Last evaluated: 2025-12-01. Review status: criteria provided, single submitter. Criteria: ACMG Guidelines, 2015. Collection method: clinical testing. Allele origin: germline. Affected: yes.
Comment: The variant is observed at an extremely low frequency in the gnomAD v4.1.0 dataset (total allele frequency: <0.001%). Predicted Consequence/Location: Stop-gained (nonsense): predicted to result in a loss or disruption of normal protein function through nonsense-mediated decay (NMD) or protein truncation. Multiple pathogenic variants are reported downstream of the variant. The variant has been reported at least twice as pathogenic without evidence for the classification (ClinVar ID: VCV000265449 /PMID: 19138334). Therefore, this variant is classified as Pathogenic according to the recommendation of ACMG/AMP guideline.

Women's Health and Genetics/Laboratory Corporation of America, LabCorp
Classification: Pathogenic for Neurodegeneration with brain iron accumulation. Last evaluated: 2024-08-22. Review status: criteria provided, single submitter. Criteria: LabCorp Variant Classification Summary - May 2015. Collection method: clinical testing. Allele origin: germline.
Comment: Variant summary: PLA2G6 c.208C>T (p.Arg70X) results in a premature termination codon, predicted to cause a truncation of the encoded protein or absence of the protein due to nonsense mediated decay, which are commonly known mechanisms for disease. The variant allele was found at a frequency of 8e-06 in 249970 control chromosomes. c.208C>T has been reported in the literature in at least two individuals affected with Neurodegeneration With Brain Iron Accumulation ( e.g., Wu_2009, Kapoor_2016). These data indicate that the variant may be associated with disease. To our knowledge, no experimental evidence demonstrating an impact on protein function has been reported. The following publications have been ascertained in the context of this evaluation (PMID: 27196560, 19138334). ClinVar contains an entry for this variant (Variation ID: 265449). Based on the evidence outlined above, the variant was classified as pathogenic.

Labcorp Genetics (formerly Invitae), Labcorp
Classification: Pathogenic for Infantile neuroaxonal dystrophy. Last evaluated: 2024-08-06. Review status: criteria provided, single submitter. Criteria: Invitae Variant Classification Sherloc (09022015). Collection method: clinical testing. Allele origin: germline.
Comment: This sequence change creates a premature translational stop signal (p.Arg70*) in the PLA2G6 gene. It is expected to result in an absent or disrupted protein product. Loss-of-function variants in PLA2G6 are known to be pathogenic (PMID: 16783378, 18570303, 18799783, 22213678). This variant is present in population databases (no rsID available, gnomAD 0.006%). This premature translational stop signal has been observed in individual(s) with infantile neuroaxonal dystrophy (PMID: 19138334, 27196560). ClinVar contains an entry for this variant (Variation ID: 265449). For these reasons, this variant has been classified as Pathogenic.

GeneDx
Classification: Pathogenic. Last evaluated: 2021-12-07. Review status: criteria provided, single submitter. Criteria: GeneDx Variant Classification Process June 2021. Collection method: clinical testing. Allele origin: germline. Affected: yes.
Comment: Nonsense variant predicted to result in protein truncation or nonsense mediated decay in a gene for which loss-of-function is a known mechanism of disease; Not observed at significant frequency in large population cohorts (Lek et al., 2016); This variant is associated with the following publications: (PMID: 25525159, 19138334, 27196560)

Literature cited by the submitters: PubMed 19138334 (cited by 3 submitters); PubMed 27196560 (cited by Women's Health and Genetics/Laboratory Corporation of America, LabCorp and Labcorp Genetics (formerly Invitae), Labcorp); PubMed 16783378 (cited by Labcorp Genetics (formerly Invitae), Labcorp); PubMed 18570303 (cited by Labcorp Genetics (formerly Invitae), Labcorp); PubMed 18799783 (cited by Labcorp Genetics (formerly Invitae), Labcorp); PubMed 22213678 (cited by Labcorp Genetics (formerly Invitae), Labcorp).

NM_003560.4(PLA2G6):c.208C>T (p.Arg70Ter)

Gene: PLA2G6 (phospholipase A2 group VI; minus strand). Cytogenetic location: 22q13.1.
Variant type: single nucleotide variant.
Coding change: c.208C>T on transcript NM_003560.4 (MANE Select); coding-DNA position 208, C replaced by T.
Protein change: p.Arg70Ter; replaces arginine 70 with a stop codon.
Molecular consequence: nonsense. On other transcripts: 5 prime UTR variant (3).
Genome position (GRCh38, 1-based): chr22:38,169,219, G>A on the plus strand (C>T on the coding strand, the complement: PLA2G6 is on the minus strand). VCF-style: chr22-38169219-G-A. GRCh37 (hg19) VCF-style: chr22-38565226-G-A.
Other names: c.208C>T, p.Arg70Ter (NM_001004426.3, NM_001199562.3, NM_001349864.2 and 2 more transcripts); c.-458C>T (NM_001349867.2, NM_001349869.2); c.-283C>T (NM_001349868.2); short protein forms R70*.
Identifiers: ClinVar variation 265449 (VCV000265449.16), dbSNP rs886039552, ClinGen allele CA10588727.
Genomic context (GRCh38, chr22:38,169,219, plus strand): 5'-CAATCCGAGACGTGGGGGAGTGAAAGGAGAGAAGTATGTTCCCGCTGAGCATCACCCACC[G>A]GAATCCACTCTGTGAGTTCCTGGGGTTGACCAGGACGCAGTCCCAGGTGCGGTTGGGAGT-3'